The following is an entry in ClinVar:

NM_030665.4(RAI1):c.1989G>A (p.Glu663=)

Gene: RAI1 (retinoic acid induced 1; plus strand). Cytogenetic location: 17p11.2.
Variant type: single nucleotide variant.
Coding change: c.1989G>A on transcript NM_030665.4 (MANE Select); coding-DNA position 1989, G replaced by A.
Protein change: p.Glu663=; no amino-acid change (glutamic acid 663 retained).
Molecular consequence: synonymous variant.
Genome position (GRCh38, 1-based): chr17:17,794,937, G>A. VCF-style: chr17-17794937-G-A. GRCh37 (hg19) VCF-style: chr17-17698251-G-A.
Other names: c.1989G>A (NM_030665.3).
Identifiers: ClinVar variation 2904286 (VCV002904286.4), dbSNP rs941720217, ClinGen allele CA288368072.

ClinVar aggregate classification (germline): Likely benign. Review status: criteria provided, single submitter (1 of 4 stars). 2 submissions from 2 submitters: Likely benign (1). 1 of the submissions does not count toward it. Last evaluated 2023-11-04.

Conditions:
RAI1-related disorder. Also called: RAI1-related condition.

Allele frequency attached by ClinVar (database versions not stated): gnomAD 0.00001; TOPMed 0.00001.
gnomAD v4.1: 13 of 1,613,578 alleles (0.00081%); highest among the groups gnomAD compares: African/African-American, 0.0027%; no homozygotes.

Submissions (2):

Labcorp Genetics (formerly Invitae), Labcorp
Classification: Likely benign. Last evaluated: 2023-11-04. Review status: criteria provided, single submitter. Criteria: Invitae Variant Classification Sherloc (09022015). Collection method: clinical testing. Allele origin: germline.

PreventionGenetics, part of Exact Sciences
Classification: Likely benign for RAI1-related condition. Last evaluated: 2024-09-06. Review status: no assertion criteria provided. Collection method: clinical testing. Allele origin: germline. Not counted in ClinVar's aggregate classification.
Comment: This variant is classified as likely benign based on ACMG/AMP sequence variant interpretation guidelines (Richards et al. 2015 PMID: 25741868, with internal and published modifications).